The following is an entry in ClinVar:

NM_000834.5(GRIN2B):c.2514C>G (p.Cys838Trp)

Gene: GRIN2B (glutamate ionotropic receptor NMDA type subunit 2B; minus strand). Cytogenetic location: 12p13.1.
Variant type: single nucleotide variant.
Coding change: c.2514C>G on transcript NM_000834.5 (MANE Select); coding-DNA position 2514, C replaced by G.
Protein change: p.Cys838Trp; replaces cysteine 838 with tryptophan.
Molecular consequence: missense variant.
Genome position (GRCh38, 1-based): chr12:13,567,109, G>C on the plus strand (C>G on the coding strand, the complement: GRIN2B is on the minus strand). VCF-style: chr12-13567109-G-C. GRCh37 (hg19) VCF-style: chr12-13720043-G-C.
Other names: c.2514C>G, p.Cys838Trp (NM_001413992.1); short protein forms C838W.
Identifiers: ClinVar variation 4681116 (VCV004681116.1).

ClinVar aggregate classification (germline): Uncertain significance (1 of 4 stars; one submission).

Submission:

GeneDx
Classification: Uncertain significance. Last evaluated: 2025-07-02. Review status: criteria provided, single submitter. Criteria: GeneDx Variant Classification Process June 2021. Collection method: clinical testing. Allele origin: germline. Affected: yes.
Comment: Not observed at significant frequency in large population cohorts (gnomAD); In silico analysis suggests that this missense variant does not alter protein structure/function; Has not been previously published as pathogenic or benign to our knowledge; This variant is associated with the following publications: (PMID: 27839871)